The following is an entry in ClinVar:

ClinVar aggregate classification (germline): Uncertain significance. Review status: criteria provided, multiple submitters, no conflicts (2 of 4 stars). 2 submissions from 2 submitters: Uncertain significance (2). Last evaluated 2023-07-10.

Allele frequency attached by ClinVar (database versions not stated): TOPMed 0.00006; ESP Exome Variant Server 0.00016.
gnomAD v4.1: 13 of 1,614,046 alleles (0.00081%); highest among the groups gnomAD compares: African/African-American, 0.012%; no homozygotes.

Submissions (2):

Labcorp Genetics (formerly Invitae), Labcorp
Classification: Uncertain significance. Last evaluated: 2023-07-10. Review status: criteria provided, single submitter. Criteria: Invitae Variant Classification Sherloc (09022015). Collection method: clinical testing. Allele origin: germline.
Comment: In summary, the available evidence is currently insufficient to determine the role of this variant in disease. Therefore, it has been classified as a Variant of Uncertain Significance. This sequence change replaces alanine, which is neutral and non-polar, with glycine, which is neutral and non-polar, at codon 1194 of the PCARE protein (p.Ala1194Gly). This variant is present in population databases (rs372953965, gnomAD 0.01%). This variant has not been reported in the literature in individuals affected with PCARE-related conditions. ClinVar contains an entry for this variant (Variation ID: 1005868). An algorithm developed to predict the effect of missense changes on protein structure and function (PolyPhen-2) suggests that this variant is likely to be disruptive.

Blueprint Genetics
Classification: Uncertain significance. Last evaluated: 2021-12-21. Review status: criteria provided, single submitter. Criteria: ACMG Guidelines, 2015. Collection method: clinical testing. Allele origin: germline.

NM_001029883.3(PCARE):c.3581C>G (p.Ala1194Gly)

Gene: PCARE (photoreceptor cilium actin regulator; minus strand). Cytogenetic location: 2p23.2.
Variant type: single nucleotide variant.
Coding change: c.3581C>G on transcript NM_001029883.3 (MANE Select); coding-DNA position 3581, C replaced by G.
Protein change: p.Ala1194Gly; replaces alanine 1194 with glycine.
Molecular consequence: missense variant.
Genome position (GRCh38, 1-based): chr2:29,070,681, G>C on the plus strand (C>G on the coding strand, the complement: PCARE is on the minus strand). VCF-style: chr2-29070681-G-C. GRCh37 (hg19) VCF-style: chr2-29293547-G-C.
Other names: short protein forms A1194G.
Identifiers: ClinVar variation 1005868 (VCV001005868.5), dbSNP rs372953965, ClinGen allele CA1591893.